The following is an entry in ClinVar:

NM_016032.4(ZDHHC9):c.304G>A (p.Ala102Thr)

Gene: ZDHHC9 (zinc finger DHHC-type palmitoyltransferase 9; minus strand). Cytogenetic location: Xq26.1.
Variant type: single nucleotide variant.
Coding change: c.304G>A on transcript NM_016032.4 (MANE Select); coding-DNA position 304, G replaced by A.
Protein change: p.Ala102Thr; replaces alanine 102 with threonine.
Molecular consequence: missense variant.
Genome position (GRCh38, 1-based): chrX:129,829,005, C>T on the plus strand (G>A on the coding strand, the complement: ZDHHC9 is on the minus strand). VCF-style: chrX-129829005-C-T. GRCh37 (hg19) VCF-style: chrX-128962981-C-T.
Other names: c.304G>A, p.Ala102Thr (NM_001008222.3); short protein forms A102T.
Identifiers: ClinVar variation 1305374 (VCV001305374.2), dbSNP rs2124124527, ClinGen allele CA414592447.
Genomic context (GRCh38, chrX:129,829,005, plus strand): 5'-CTACACAGCAGCTTGCCAGCTGGTTGGAAGACTCACCTATCTCCATTTCTATGAAAGCTG[C>T]TTCATCTGGTAGCGCCCGAGGAATCACTCCAGGGTCACTGAAGCTGGTCCTCAACAGTGT-3'
Protein context (NP_057116.2, residues 92-112): GVIPRALPDE[Ala102Thr]AFIEMEIEAT

ClinVar aggregate classification (germline): Uncertain significance (1 of 4 stars; one submission).

Submission:

GeneDx
Classification: Uncertain significance. Last evaluated: 2019-05-02. Review status: criteria provided, single submitter. Criteria: GeneDx Variant Classification Process June 2021. Collection method: clinical testing. Allele origin: germline. Affected: yes.
Comment: Has not been previously published as pathogenic or benign to our knowledge; In silico analysis, which includes protein predictors and evolutionary conservation, supports a deleterious effect; Not observed in large population cohorts (Lek et al., 2016)